The following is an entry in ClinVar:

NM_017986.4(SLC52A1):c.1169C>T (p.Ser390Leu)

Gene: SLC52A1 (solute carrier family 52 member 1; minus strand). Cytogenetic location: 17p13.2.
Variant type: single nucleotide variant.
Coding change: c.1169C>T on transcript NM_017986.4 (MANE Select); coding-DNA position 1169, C replaced by T.
Protein change: p.Ser390Leu; replaces serine 390 with leucine.
Molecular consequence: missense variant.
Genome position (GRCh38, 1-based): chr17:5,033,135, G>A on the plus strand (C>T on the coding strand, the complement: SLC52A1 is on the minus strand). VCF-style: chr17-5033135-G-A. GRCh37 (hg19) VCF-style: chr17-4936430-G-A.
Other names: c.1169C>T, p.Ser390Leu (NM_001104577.2); short protein forms S390L.
Identifiers: ClinVar variation 1931719 (VCV001931719.5), dbSNP rs771636989, ClinGen allele CA8319600.

ClinVar aggregate classification (germline): Uncertain significance (1 of 4 stars; one submission).

Conditions:
Vitamin B2 deficiency. Identifiers: MedGen C0035528.

Allele frequency attached by ClinVar (database versions not stated): gnomAD exomes 0.00001; ExAC 0.00002.
gnomAD v4.1: 4 of 1,613,868 alleles (0.00025%); highest among the groups gnomAD compares: Admixed American, 0.005%; no homozygotes.

Submission:

Labcorp Genetics (formerly Invitae), Labcorp
Classification: Uncertain significance for Vitamin B2 deficiency. Last evaluated: 2023-02-14. Review status: criteria provided, single submitter. Criteria: Invitae Variant Classification Sherloc (09022015). Collection method: clinical testing. Allele origin: germline.
Comment: This sequence change replaces serine, which is neutral and polar, with leucine, which is neutral and non-polar, at codon 390 of the SLC52A1 protein (p.Ser390Leu). This variant is present in population databases (rs771636989, gnomAD 0.01%). This variant has not been reported in the literature in individuals affected with SLC52A1-related conditions. Advanced modeling of protein sequence and biophysical properties (such as structural, functional, and spatial information, amino acid conservation, physicochemical variation, residue mobility, and thermodynamic stability) performed at Invitae indicates that this missense variant is expected to disrupt SLC52A1 protein function. In summary, the available evidence is currently insufficient to determine the role of this variant in disease. Therefore, it has been classified as a Variant of Uncertain Significance.